The following is an entry in ClinVar:

NM_000474.4(TWIST1):c.156_165dup (p.Ala56fs)

Gene: TWIST1 (twist family bHLH transcription factor 1; minus strand). Cytogenetic location: 7p21.1.
Variant type: Duplication.
Coding change: c.156_165dup on transcript NM_000474.4 (MANE Select); coding-DNA positions 156 to 165, 10 bases duplicated (CGGCGGAGCC; older notation c.156_165dupCGGCGGAGCC).
Protein change: p.Ala56fs; shifts the reading frame from alanine 56.
Molecular consequence: frameshift variant. On other transcripts: non-coding transcript variant (1).
Genome position (GRCh38, 1-based): chr7:19,117,157-19,117,166, GGCTCCGCCG duplicated on the plus strand (CGGCGGAGCC on the coding strand, the reverse complement: TWIST1 is on the minus strand); duplicating any 10 consecutive bases within chr7:19,117,157-19,117,169 gives the same sequence; the c. name uses the placement nearest the transcript's 3' end. VCF-style (leftmost placement, unchanged base first): chr7-19117156-C-CGGCTCCGCCG. GRCh37 (hg19) VCF-style: chr7-19156779-C-CGGCTCCGCCG.
Other names: short protein forms A56fs.
Identifiers: ClinVar variation 3758878 (VCV003758878.2).

ClinVar aggregate classification (germline): Pathogenic (1 of 4 stars; one submission).

Conditions:
TWIST1-related craniosynostosis (CRS1). Also called: CRANIOSYNOSTOSIS 1. Identifiers: Orphanet 63440, MedGen C4551902, MONDO:0007399, OMIM 123100. Inheritance: Heterogenous inheritance pattern.
Saethre-Chotzen syndrome (SCS). Also called: ACROCEPHALY, SKULL ASYMMETRY, AND MILD SYNDACTYLY; ACS III; CHOTZEN SYNDROME. Identifiers: Orphanet 794, MedGen C0175699, MONDO:0007042, OMIM 101400.

Submission:

Labcorp Genetics (formerly Invitae), Labcorp
Classification: Pathogenic for TWIST1-related craniosynostosis; Saethre-Chotzen syndrome. Last evaluated: 2024-09-17. Review status: criteria provided, single submitter. Criteria: Invitae Variant Classification Sherloc (09022015). Collection method: clinical testing. Allele origin: germline.
Comment: This sequence change results in a frameshift in the TWIST1 gene (p.Ala56Argfs*185). While this is not anticipated to result in nonsense mediated decay, it is expected to disrupt the last 147 amino acid(s) of the TWIST1 protein and extend the protein by 37 additional amino acid residues. This variant is not present in population databases (gnomAD no frequency). This variant has not been reported in the literature in individuals affected with TWIST1-related conditions. This variant disrupts a region of the TWIST1 protein in which other variant(s) (p.Leu159Phe) have been determined to be pathogenic (PMID: 10094188; internal data). This suggests that this is a clinically significant region of the protein, and that variants that disrupt it are likely to be disease-causing. For these reasons, this variant has been classified as Pathogenic.

Literature cited by the submitters: PubMed 10094188.